The following is an entry in ClinVar:

ClinVar aggregate classification (germline): Conflicting classifications of pathogenicity. Review status: criteria provided, conflicting classifications (1 of 4 stars). 11 submissions from 11 submitters: Uncertain significance (5); Benign (1); Likely benign (4). 1 of the submissions does not count toward it. Last evaluated 2026-01-26.

Conditions:
POLG-related disorder. Also called: POLG-Related Spectrum Disorders; POLG-related condition; POLG-Related Disorders. Identifiers: MedGen C4763519.
Progressive external ophthalmoplegia with mitochondrial DNA deletions, autosomal dominant 1 (PEOA1). Also called: Autosomal Dominant Progressive External Ophthalmoplegia (adPEO); PROGRESSIVE EXTERNAL OPHTHALMOPLEGIA, AUTOSOMAL DOMINANT 1. Identifiers: MedGen C1834846, MONDO:0024528, OMIM 157640.
Progressive external ophthalmoplegia with mitochondrial DNA deletions, autosomal recessive 1 (PEOB1). Also called: Progressive external ophthalmoplegia, autosomal recessive 1; Autosomal Recessive Progressive External Ophthalmoplegia (arPEO). Identifiers: Orphanet 254886, MedGen C4225153, MONDO:0009783, OMIM 258450.
Mitochondrial DNA depletion syndrome 4b. Also called: Mitochondrial Neurogastrointestinal Encephalopathy Disease, POLG-Related; MNGIE, POLG-RELATED. Identifiers: Orphanet 298, MedGen C3150914, MONDO:0013350, OMIM 613662.
Progressive sclerosing poliodystrophy (MTDPS4A). Also called: Alpers Syndrome; Mitochondrial DNA depletion syndrome 4A (Alpers type); Alpers-Huttenlocher Syndrome (AHS); ALPERS PROGRESSIVE INFANTILE POLIODYSTROPHY; Mitochondrial DNA Depletion Syndrome 4A; NEURONAL DEGENERATION OF CHILDHOOD WITH LIVER DISEASE, PROGRESSIVE. Identifiers: Orphanet 726, MedGen C0205710, MONDO:0008758, OMIM 203700.
Sensory ataxic neuropathy, dysarthria, and ophthalmoparesis (SANDO). Also called: Ataxia Neuropathy Spectrum (ANS); Sensory ataxic neuropathy-dysarthria-ophthalmoparesis syndrome; SENSORY ATAXIC NEUROPATHY WITH MITOCHONDRIAL DNA DELETIONS, AUTOSOMAL RECESSIVE; Epilepsy, progressive myoclonic, type 5. Identifiers: Orphanet 70595, MedGen C1843851, MONDO:0011835, OMIM 607459.
Hereditary spastic paraplegia. Also called: Familial spastic paraparesis. Identifiers: Orphanet 685, MedGen C0037773, MONDO:0019064. Disease mechanism: loss of function.

Allele frequency attached by ClinVar (database versions not stated): TOPMed 0.00046; ESP Exome Variant Server 0.00077; 1000 Genomes Project 0.00100; 1000 Genomes Project 30x 0.00109.

Submissions (11):

Labcorp Genetics (formerly Invitae), Labcorp
Classification: Likely benign for Progressive sclerosing poliodystrophy. Last evaluated: 2026-01-26. Review status: criteria provided, single submitter. Criteria: Invitae Variant Classification Sherloc (09022015). Collection method: clinical testing. Allele origin: germline.

Blueprint Genetics
Classification: Likely benign. Last evaluated: 2024-10-15. Review status: criteria provided, single submitter. Criteria: ACMG Guidelines, 2015. Collection method: clinical testing. Allele origin: germline.

Athena Diagnostics
Classification: Likely benign. Last evaluated: 2021-06-07. Review status: criteria provided, single submitter. Criteria: Athena Diagnostics criteria. Collection method: clinical testing. Allele origin: unknown.

Rajaie Cardiovascular, Medical and Research Center, Iran University of Medical Sciences
Classification: Uncertain significance for Progressive sclerosing poliodystrophy. Last evaluated: 2019-07-05. Review status: criteria provided, single submitter. Criteria: ACMG Guidelines, 2015. Collection method: research. Allele origin: inherited. Inheritance: Autosomal recessive inheritance. Affected: yes.

Genome Diagnostics Laboratory, The Hospital for Sick Children
Classification: Uncertain significance for Hereditary spastic paraplegia. Last evaluated: 2018-10-01. Review status: criteria provided, single submitter. Criteria: ACMG Guidelines, 2015. Collection method: clinical testing. Allele origin: germline. Affected: yes.

Wong Mito Lab, Molecular and Human Genetics, Baylor College of Medicine
Classification: Likely benign for Progressive sclerosing poliodystrophy. Last evaluated: 2018-10-01. Review status: criteria provided, single submitter. Criteria: ACMG Guidelines, 2015. Collection method: clinical testing. Allele origin: germline.
Comment: The NM_002693.2:c.3482+6C>T (NP_002684.1:p.=) [GRCH38: NC_000015.10:g.89318535G>A] variant in POLG gene is interpretated to be a Likely Benign based on ACMG guidelines (PMID: 25741868). This variant meets the following evidence codes reported in the ACMG-guideline. BS1:The minor allele frequency of this allele is high for Mitochondrial DNA depletion syndrome 4A (Alpers type). BP4:Computational evidence/predictors indicate no impact on the POLG structure, function, or protein-protein interaction. Based on the evidence criteria codes applied, the variant is suggested to be Likely Benign.

Illumina Laboratory Services, Illumina
Classification: Uncertain significance for POLG-Related Spectrum Disorders. Last evaluated: 2018-01-13. Review status: criteria provided, single submitter. Criteria: ICSL Variant Classification Criteria 13 December 2019. Collection method: clinical testing. Allele origin: germline.

Eurofins Ntd Llc (ga)
Classification: Uncertain significance. Last evaluated: 2017-08-16. Review status: criteria provided, single submitter. Criteria: EGL Classification Definitions 2015. Collection method: clinical testing. Allele origin: germline. Observed: 4 variant alleles, 4 heterozygotes.

GeneDx
Classification: Benign. Last evaluated: 2013-10-03. Review status: criteria provided, single submitter. Criteria: GeneDx Variant Classification (06012015). Collection method: clinical testing. Allele origin: germline. Affected: yes.
Comment: This variant is considered likely benign or benign based on one or more of the following criteria: it is a conservative change, it occurs at a poorly conserved position in the protein, it is predicted to be benign by multiple in silico algorithms, and/or has population frequency not consistent with disease.

Center for Genomics, Ann and Robert H. Lurie Children's Hospital of Chicago
Classification: Uncertain significance for Sensory ataxic neuropathy, dysarthria, and ophthalmoparesis; Mitochondrial DNA depletion syndrome 4b; Progressive sclerosing poliodystrophy; Progressive external ophthalmoplegia with mitochondrial DNA deletions, autosomal dominant 1; Progressive external ophthalmoplegia with mitochondrial DNA deletions, autosomal recessive 1. Review status: criteria provided, single submitter. Criteria: ACMG Guidelines, 2015. Collection method: clinical testing. Allele origin: germline.
Comment: POLG NM_002693 exon 21 c.3482+6C>T: This variant has not been reported in the literature but is present in 0.1% (35/23996) of African alleles in the Genome Aggregation Database. This variant is present in ClinVar (Variation ID:138760). Evolutionary conservation and computational predictive tools for this variant are limited or unavailable. This variant is an intronic variant with no predicted change in the amino acid sequence but may have an unknown effect on splicing. Further studies are needed to understand its impact. In summary, data on this variant is insufficient for disease classification. Therefore, the clinical significance of this variant is uncertain.

Clinical Laboratory Sciences Program (CLSP), King Saud bin Abdulaziz University for Health Sciences (KSAU-HS)
Classification: Likely benign for Mitochondrial DNA depletion syndrome 4b. Review status: no assertion criteria provided. Collection method: clinical testing. Allele origin: germline. Affected: yes. Not counted in ClinVar's aggregate classification.

NM_002693.3(POLG):c.3482+6C>T

Gene: POLG (DNA polymerase gamma, catalytic subunit; minus strand). Cytogenetic location: 15q26.1.
Variant type: single nucleotide variant.
Coding change: c.3482+6C>T on transcript NM_002693.3 (MANE Select); 6 bases into the intron after coding-DNA position 3482, C replaced by T.
Molecular consequence: intron variant.
Genome position (GRCh38, 1-based): chr15:89,318,535, G>A on the plus strand (C>T on the coding strand, the complement: POLG is on the minus strand). VCF-style: chr15-89318535-G-A. GRCh37 (hg19) VCF-style: chr15-89861766-G-A.
Other names: c.3482+6C>T (NM_001126131.1, NM_001126131.2).
Identifiers: ClinVar variation 138760 (VCV000138760.54), dbSNP rs55779802, ClinGen allele CA292847.